The following is an entry in ClinVar:

ClinVar aggregate classification (germline): Likely benign (1 of 4 stars; one submission).

Submission:

CeGaT Center for Human Genetics Tuebingen
Classification: Likely benign. Last evaluated: 2024-11-01. Review status: criteria provided, single submitter. Criteria: CeGaT Center For Human Genetics Tuebingen Variant Classification Criteria Version 2. Collection method: clinical testing. Allele origin: germline. Affected: yes. Observed: 1 variant allele.
Comment: COG1: PM2:Supporting, BP4, BP7

NM_018714.3(COG1):c.2217A>T (p.Ala739=)

Gene: COG1 (component of oligomeric golgi complex 1; plus strand). Cytogenetic location: 17q25.1.
Variant type: single nucleotide variant.
Coding change: c.2217A>T on transcript NM_018714.3 (MANE Select); coding-DNA position 2217, A replaced by T.
Protein change: p.Ala739=; no amino-acid change (alanine 739 retained).
Molecular consequence: synonymous variant.
Genome position (GRCh38, 1-based): chr17:73,203,143, A>T. VCF-style: chr17-73203143-A-T. GRCh37 (hg19) VCF-style: chr17-71199282-A-T.
Identifiers: ClinVar variation 3388805 (VCV003388805.14).